The following is an entry in ClinVar:

ClinVar aggregate classification (germline): Pathogenic (1 of 4 stars; one submission).

Conditions:
46,XY sex reversal 9 (SRXY9). Also called: 46,XY SEX REVERSAL, ZFPM2-RELATED. Identifiers: Orphanet 251510, MedGen C4015129, MONDO:0014480, OMIM 616067.

Submission:

Labcorp Genetics (formerly Invitae), Labcorp
Classification: Pathogenic for 46,XY sex reversal 9. Last evaluated: 2021-04-16. Review status: criteria provided, single submitter. Criteria: Invitae Variant Classification Sherloc (09022015). Collection method: clinical testing. Allele origin: germline.
Comment: For these reasons, this variant has been classified as Pathogenic. This variant disrupts the C-terminus of the ZFPM2 protein. Other variant(s) that disrupt this region (p.Tyr467Phefs*8) have been determined to be pathogenic (PMID: 24702427). This suggests that variants that disrupt this region of the protein are likely to be causative of disease. This variant has not been reported in the literature in individuals with ZFPM2-related conditions. This variant is not present in population databases (ExAC no frequency). This sequence change creates a premature translational stop signal (p.Arg311*) in the ZFPM2 gene. While this is not anticipated to result in nonsense mediated decay, it is expected to disrupt the last 841 amino acid(s) of the ZFPM2 protein.

Literature cited by the submitters: PubMed 24702427.

NM_012082.4(ZFPM2):c.931C>T (p.Arg311Ter)

Genes: ZFPM2 (zinc finger protein, FOG family member 2; plus strand), ZFPM2-AS1 (ZFPM2 antisense RNA 1; minus strand). Cytogenetic location: 8q23.1.
Variant type: single nucleotide variant.
Coding change: c.931C>T on transcript NM_012082.4 (MANE Select); coding-DNA position 931, C replaced by T.
Protein change: p.Arg311Ter; replaces arginine 311 with a stop codon.
Molecular consequence: nonsense.
Genome position (GRCh38, 1-based): chr8:105,798,915, C>T. VCF-style: chr8-105798915-C-T. GRCh37 (hg19) VCF-style: chr8-106811143-C-T.
Other names: c.772C>T, p.Arg258Ter (NM_001362836.2); c.535C>T, p.Arg179Ter (NM_001362837.2); short protein forms R258*, R311*, R179*.
Identifiers: ClinVar variation 1451277 (VCV001451277.8), dbSNP rs1195263093, ClinGen allele CA371944769.